The following is an entry in ClinVar:

ClinVar aggregate classification (germline): Uncertain significance (1 of 4 stars; one submission).

Conditions:
Alagille syndrome due to a JAG1 point mutation. Also called: Alagille Syndrome 1; HEPATIC DUCTULAR HYPOPLASIA, SYNDROMATIC; JAG1-Related Alagille Syndrome. Identifiers: Orphanet 261619, Orphanet 52, MedGen C1956125, MONDO:0016862, OMIM 118450.

Submission:

Labcorp Genetics (formerly Invitae), Labcorp
Classification: Uncertain significance for Alagille syndrome due to a JAG1 point mutation. Last evaluated: 2022-11-22. Review status: criteria provided, single submitter. Criteria: Invitae Variant Classification Sherloc (09022015). Collection method: clinical testing. Allele origin: germline.
Comment: In summary, the available evidence is currently insufficient to determine the role of this variant in disease. Therefore, it has been classified as a Variant of Uncertain Significance. Advanced modeling of protein sequence and biophysical properties (such as structural, functional, and spatial information, amino acid conservation, physicochemical variation, residue mobility, and thermodynamic stability) performed at Invitae indicates that this missense variant is not expected to disrupt JAG1 protein function. This variant has not been reported in the literature in individuals affected with JAG1-related conditions. This variant is not present in population databases (gnomAD no frequency). This sequence change replaces threonine, which is neutral and polar, with alanine, which is neutral and non-polar, at codon 169 of the JAG1 protein (p.Thr169Ala).

NM_000214.3(JAG1):c.505A>G (p.Thr169Ala)

Gene: JAG1 (jagged canonical Notch ligand 1; minus strand). Cytogenetic location: 20p12.2.
Variant type: single nucleotide variant.
Coding change: c.505A>G on transcript NM_000214.3 (MANE Select); coding-DNA position 505, A replaced by G.
Protein change: p.Thr169Ala; replaces threonine 169 with alanine.
Molecular consequence: missense variant.
Genome position (GRCh38, 1-based): chr20:10,658,657, T>C on the plus strand (A>G on the coding strand, the complement: JAG1 is on the minus strand). VCF-style: chr20-10658657-T-C. GRCh37 (hg19) VCF-style: chr20-10639305-T-C.
Other names: short protein forms T169A.
Identifiers: ClinVar variation 1714574 (VCV001714574.5), dbSNP rs2514526639, ClinGen allele CA408240465.